The following is an entry in ClinVar:

ClinVar aggregate classification (germline): Uncertain significance (1 of 4 stars; one submission).

Conditions:
X-linked agammaglobulinemia with growth hormone deficiency (IGHD3). Also called: FLEISHER SYNDROME; HYPOGAMMAGLOBULINEMIA AND ISOLATED GROWTH HORMONE DEFICIENCY, X-LINKED; IGHD III; ISOLATED GROWTH HORMONE DEFICIENCY, TYPE III, WITH AGAMMAGLOBULINEMIA; AGAMMAGLOBULINEMIA AND ISOLATED GROWTH HORMONE DEFICIENCY, X-LINKED; Isolated growth hormone deficiency type 3. Identifiers: Orphanet 231692, Orphanet 631, MedGen C0472813, MONDO:0010615, OMIM 307200.

Submission:

Labcorp Genetics (formerly Invitae), Labcorp
Classification: Uncertain significance for X-linked agammaglobulinemia with growth hormone deficiency. Last evaluated: 2023-05-13. Review status: criteria provided, single submitter. Criteria: Invitae Variant Classification Sherloc (09022015). Collection method: clinical testing. Allele origin: germline.
Comment: This sequence change replaces phenylalanine, which is neutral and non-polar, with leucine, which is neutral and non-polar, at codon 413 of the BTK protein (p.Phe413Leu). This variant is not present in population databases (gnomAD no frequency). This missense change has been observed in individual(s) with clinical features of agammaglobulinemia (PMID: 25777788, 32888943). Advanced modeling of protein sequence and biophysical properties (such as structural, functional, and spatial information, amino acid conservation, physicochemical variation, residue mobility, and thermodynamic stability) performed at Invitae indicates that this missense variant is expected to disrupt BTK protein function. In summary, the available evidence is currently insufficient to determine the role of this variant in disease. Therefore, it has been classified as a Variant of Uncertain Significance.

Literature cited by the submitters: PubMed 25777788; PubMed 32888943.

NM_000061.3(BTK):c.1239T>G (p.Phe413Leu)

Gene: BTK (Bruton tyrosine kinase; minus strand). Cytogenetic location: Xq22.1.
Variant type: single nucleotide variant.
Coding change: c.1239T>G on transcript NM_000061.3 (MANE Select); coding-DNA position 1239, T replaced by G.
Protein change: p.Phe413Leu; replaces phenylalanine 413 with leucine.
Molecular consequence: missense variant. On other transcripts: intron variant (1).
Genome position (GRCh38, 1-based): chrX:101,356,894, A>C on the plus strand (T>G on the coding strand, the complement: BTK is on the minus strand). VCF-style: chrX-101356894-A-C. GRCh37 (hg19) VCF-style: chrX-100611882-A-C.
Other names: c.1341T>G, p.Phe447Leu (NM_001287344.2); c.1038+1480T>G (NM_001287345.2); short protein forms F413L, F447L.
Identifiers: ClinVar variation 2860848 (VCV002860848.3), dbSNP rs150990075, ClinGen allele CA413925317.
Genomic context (GRCh38, chrX:101,356,894, plus strand): 5'-TTTGATCATCTTGATGGCCACGTCGTACTGGCCTCTCCATTTCCCATACTTCACTACCCC[A>C]AATTGTCCAGTCCCCAGCTCCTTCAAGAAGGTCAGGTCCTTTGGATCAATTTCCCATGAT-3'
Protein context (NP_000052.1, residues 403-423): TFLKELGTGQ[Phe413Leu]GVVKYGKWRG